The following is an entry in ClinVar:

NM_003482.4(KMT2D):c.6941C>T (p.Thr2314Ile)

Gene: KMT2D (lysine methyltransferase 2D; minus strand). Cytogenetic location: 12q13.12.
Variant type: single nucleotide variant.
Coding change: c.6941C>T on transcript NM_003482.4 (MANE Select); coding-DNA position 6941, C replaced by T.
Protein change: p.Thr2314Ile; replaces threonine 2314 with isoleucine.
Molecular consequence: missense variant.
Genome position (GRCh38, 1-based): chr12:49,040,829, G>A on the plus strand (C>T on the coding strand, the complement: KMT2D is on the minus strand). VCF-style: chr12-49040829-G-A. GRCh37 (hg19) VCF-style: chr12-49434612-G-A.
Other names: short protein forms T2314I.
Identifiers: ClinVar variation 2805509 (VCV002805509.4), dbSNP rs1401415779, ClinGen allele CA384749240.

ClinVar aggregate classification (germline): Uncertain significance. Review status: criteria provided, multiple submitters, no conflicts (2 of 4 stars). 2 submissions from 2 submitters: Uncertain significance (2). Last evaluated 2026-02-11.

Conditions:
Kabuki syndrome. Also called: NIIKAWA-KUROKI SYNDROME; Kabuki make-up syndrome. Identifiers: Orphanet 2322, MedGen C0796004, MONDO:0016512.

Allele frequency attached by ClinVar (database versions not stated): gnomAD exomes below 0.00001; TOPMed 0.00001.
gnomAD v4.1: 3 of 1,613,782 alleles (0.00019%); highest among the groups gnomAD compares: Non-Finnish European, 0.00025%; no homozygotes.

Submissions (2):

Women's Health and Genetics/Laboratory Corporation of America, LabCorp
Classification: Uncertain significance. Last evaluated: 2026-02-11. Review status: criteria provided, single submitter. Criteria: LabCorp Variant Classification Summary - May 2015. Collection method: clinical testing. Allele origin: germline.
Comment: Variant summary: KMT2D c.6941C>T (p.Thr2314Ile) results in a non-conservative amino acid change in the encoded protein sequence. Algorithms developed to predict the effect of missense changes on protein structure and function are either unavailable or do not agree on the potential impact of this missense change. The variant was absent in 248320 control chromosomes. The available data on variant occurrences in the general population are insufficient to allow any conclusion about variant significance. To our knowledge, no occurrence of c.6941C>T in individuals affected with KMT2D-related conditions and no experimental evidence demonstrating its impact on protein function have been reported. ClinVar contains an entry for this variant (Variation ID: 2805509). Based on the evidence outlined above, the variant was classified as uncertain significance.

Labcorp Genetics (formerly Invitae), Labcorp
Classification: Uncertain significance for Kabuki syndrome. Last evaluated: 2023-03-02. Review status: criteria provided, single submitter. Criteria: Invitae Variant Classification Sherloc (09022015). Collection method: clinical testing. Allele origin: germline.
Comment: In summary, the available evidence is currently insufficient to determine the role of this variant in disease. Therefore, it has been classified as a Variant of Uncertain Significance. Advanced modeling of protein sequence and biophysical properties (such as structural, functional, and spatial information, amino acid conservation, physicochemical variation, residue mobility, and thermodynamic stability) performed at Invitae indicates that this missense variant is not expected to disrupt KMT2D protein function. This sequence change replaces threonine, which is neutral and polar, with isoleucine, which is neutral and non-polar, at codon 2314 of the KMT2D protein (p.Thr2314Ile). This variant is not present in population databases (gnomAD no frequency). This variant has not been reported in the literature in individuals affected with KMT2D-related conditions.